The following is an entry in ClinVar:

NM_000035.4(ALDOB):c.1013C>T (p.Ala338Val)

Gene: ALDOB (aldolase, fructose-bisphosphate B; minus strand). Cytogenetic location: 9q31.1.
Variant type: single nucleotide variant.
Coding change: c.1013C>T on transcript NM_000035.4 (MANE Select); coding-DNA position 1013, C replaced by T.
Protein change: p.Ala338Val; replaces alanine 338 with valine.
Molecular consequence: missense variant.
Genome position (GRCh38, 1-based): chr9:101,421,891, G>A on the plus strand (C>T on the coding strand, the complement: ALDOB is on the minus strand). VCF-style: chr9-101421891-G-A. GRCh37 (hg19) VCF-style: chr9-104184173-G-A.
Other names: c.1013C>T, p.Ala338Val (LRG_1244t1); short protein forms A338V.
Identifiers: ClinVar variation 188739 (VCV000188739.83), dbSNP rs77718928, ClinGen allele CA199050.
Genomic context (GRCh38, chr9:101,421,891, plus strand): 5'-AAGAGCGACTGGGTGGAAGCAGCCCCAGAAGAACCCGTGTGAACATACTGTCCTTTGGCC[G>A]CCTGGCAGTTAGCCTAGAAGACAAATATGAGAGAGGAGACTGGTTAGAGTAAATGTGACC-3'
Protein context (NP_000026.2, residues 328-348): FMKRAMANCQ[Ala338Val]AKGQYVHTGS

ClinVar aggregate classification (germline): Pathogenic/Likely pathogenic. Review status: criteria provided, multiple submitters, no conflicts (2 of 4 stars). 23 submissions from 23 submitters: Pathogenic (16); Likely pathogenic (4). 3 of the submissions do not count toward it. Last evaluated 2026-10-06.

Conditions:
ALDOB-related disorder. Also called: ALDOB-related condition.
Hereditary fructosuria. Also called: Hereditary fructose intolerance; ALDOB DEFICIENCY; ALDOLASE B DEFICIENCY; FRUCTOSE-1,6-BISPHOSPHATE ALDOLASE B DEFICIENCY; FRUCTOSE-1-PHOSPHATE ALDOLASE DEFICIENCY; FRUCTOSEMIA. Identifiers: Orphanet 469, MedGen C0016751, MONDO:0009249, OMIM 229600, HP:0005973. Disease mechanism: loss of function.

Allele frequency attached by ClinVar (database versions not stated): ESP Exome Variant Server 0.00008; gnomAD 0.00010; TOPMed 0.00013.
gnomAD v4.1: 134 of 1,613,818 alleles (0.0083%); highest among the groups gnomAD compares: Middle Eastern, 0.082%; no homozygotes.

Submissions 1 to 11 of 23:

GeneDx
Classification: Pathogenic. Last evaluated: 2026-10-06. Review status: criteria provided, single submitter. Criteria: GeneDx Variant Classification Process June 2021. Collection method: clinical testing. Allele origin: germline.
Comment: Observed in apparent homozygous state in multiple unrelated patients with hereditary fructose intolerance in the literature, but also seen in the apparent homozygous state in an apparently normal individual (PMID: 9610797, 18541450, 20033295, 25595217, 31343797); In silico analysis supports that this missense variant has a deleterious effect on protein structure/function; This variant is associated with the following publications: (PMID: 20848650, 15532022, 20033295, 34426522, 32860008, 35314707, 32368696, 28991257, 8535439, 10024431, 31343797, 34162028, 8299892, 9610797, 18541450, 25595217, 38167091, 38820866, 15880727, 23430936, 12205126, 37743645, 40127276)

PreventionGenetics, part of Exact Sciences
Classification: Pathogenic for ALDOB-related condition. Last evaluated: 2026-06-23. Review status: criteria provided, single submitter. Criteria: ACMG Guidelines, 2015. Collection method: clinical testing. Allele origin: germline.
Comment: The ALDOB c.1013C>T variant is predicted to result in the amino acid substitution p.Ala338Val. This variant (also referred to as p.Ala337Val or p.A337V) has been reported, in the homozygous state or with a second probable causative variant in the same gene, in individuals with hereditary fructose intolerance (see for example: Ali et al. 1998. PubMed ID: 9610797; Bijarnia-Mahay et al. 2015. PubMed ID: 25595217; Supplemental Table 2, Bertoli-Avella et al. 2020. PubMed ID: 32860008; Davit-Spraul et al. 2008. PubMed ID: 18541450). In the compound heterozygous state, this variant has been found in trans with a pathogenic variant (Bijarnia-Mahay et al. 2015. PubMed ID: 25595217; Davit-Spraul et al. 2008. PubMed ID: 18541450). In vitro studies in E. coli demonstrated that this missense change reduces aldolase B activity compared to wild type (Rellos et al. 1999. PubMed ID: 10229688). This variant is reported in 0.066% of alleles in individuals of South Asian descent in gnomAD and is classified as likely pathogenic or pathogenic by numerous labs in ClinVar (ClinVar ID: 188739). We classify this variant as pathogenic.

Labcorp Genetics (formerly Invitae), Labcorp
Classification: Pathogenic for Hereditary fructosuria. Last evaluated: 2026-02-01. Review status: criteria provided, single submitter. Criteria: Invitae Variant Classification Sherloc (09022015). Collection method: clinical testing. Allele origin: germline.
Comment: This sequence change replaces alanine, which is neutral and non-polar, with valine, which is neutral and non-polar, at codon 338 of the ALDOB protein (p.Ala338Val). This variant is present in population databases (rs77718928, gnomAD 0.06%). This missense change has been observed in individual(s) with hereditary fructose intolerance (PMID: 9610797, 25595217). In at least one individual the data is consistent with being in trans (on the opposite chromosome) from a pathogenic variant. This variant is also known as A337V. ClinVar contains an entry for this variant (Variation ID: 188739). An algorithm developed to predict the effect of missense changes on protein structure and function (PolyPhen-2) suggests that this variant is likely to be disruptive. Experimental studies have shown that this missense change affects ALDOB function (PMID: 10229688). For these reasons, this variant has been classified as Pathogenic.

Natera, Inc.
Classification: Pathogenic for Fructose intolerance. Last evaluated: 2025-10-30. Review status: criteria provided, single submitter. Criteria: Natera Variant Classification Schema (03/2026). Collection method: clinical testing. Allele origin: germline.
Comment: The c.1013C>T variant in ALDOB is a missense variant predicted to cause substitution of alanine to valine at amino acid 338. This variant is rare in the general population with a frequency below the threshold expected for the associated phenotype(s). This variant has been observed in at least one unaffected individual, with a zygosity that is consistent with the inheritance pattern for the associated condition (in gnomAD and/or literature) (PMID: 31343797). This variant has been observed in one or more individuals affected with the associated recessive disease, as either homozygous or compound heterozygous with a second variant (PMID: 36028839, 25595217, 18541450). Computational prediction algorithms indicate this variant is likely to affect gene or protein function. Given the available evidence, this variant is classified as Pathogenic.

Dasa
Classification: Pathogenic. Last evaluated: 2025-04-06. Review status: criteria provided, single submitter. Criteria: DASA Assertion Criteria. Collection method: clinical testing. Allele origin: germline.
Comment: NM_000035.4(ALDOB):c.1013C>T (p.Ala338Val) is a missense variant that results in the substitution of alanine with valine. This variant has been observed in affected individuals with related phenotype in a genotype context consistent with recessive disease (PMID: 9610797; PMID: 25595217; PMID: 10229688; PMID: 34162028; PMID: 20848650). Functional evidence supports a deleterious effect on the gene or gene product (PMID: 9610797; PMID: 25595217; PMID: 10229688; PMID: 34162028; PMID: 20848650). This variant has been recurrently observed in individuals with related phenotype (PMID: 9610797; PMID: 25595217; PMID: 10229688; PMID: 34162028; PMID: 20848650). Multiple computational predictions support a deleterious effect on the gene or gene product. The variant is present at low frequency in population datasets. Based on the available data, this variant is classified as pathogenic.

Blueprint Genetics
Classification: Pathogenic for ALDOB-related disorders. Last evaluated: 2024-09-06. Review status: criteria provided, single submitter. Criteria: ACMG Guidelines, 2015. Collection method: clinical testing. Allele origin: germline. Affected: yes. Observed: 5 variant alleles.

Genomic Medicine Center of Excellence, King Faisal Specialist Hospital and Research Centre
Classification: Pathogenic for Hereditary fructosuria. Last evaluated: 2024-03-29. Review status: criteria provided, single submitter. Criteria: ACMG Guidelines, 2015. Collection method: clinical testing. Allele origin: germline.

Fulgent Genetics
Classification: Pathogenic for Hereditary fructosuria. Last evaluated: 2024-03-07. Review status: criteria provided, single submitter. Criteria: ACMG Guidelines, 2015. Collection method: clinical testing. Allele origin: germline.

Laboratoire Génétique Moléculaire, CHRU TOURS
Classification: Pathogenic for Hereditary fructosuria. Last evaluated: 2023-05-26. Review status: criteria provided, single submitter. Criteria: ACMG Guidelines, 2015. Collection method: clinical testing. Allele origin: biparental. Affected: yes.
Comment: PVS1;PM2;PM4

Laboratory for Molecular Medicine, Mass General Brigham Personalized Medicine
Classification: Pathogenic for Hereditary fructosuria. Last evaluated: 2023-02-02. Review status: criteria provided, single submitter. Criteria: ACMG Guidelines, 2015. Collection method: clinical testing. Allele origin: germline.
Comment: The p.Ala338Val variant in ALDOB has been reported in at least 5 homozygous and 5 compound heterozygous individuals with hereditary fructose intolerance and segregated with disease in 2 affected individuals from 1 family (Rellos 1999 PMID: 10229688, Davit-Spraul 2008 PMID: 18541450, Coffee 2010 PMID: 20033295, Bijarnia-Mahay 2015 PMID: 25595217). It has also been identified in 0.6% (2/316) Middle Eastern and 0.03% (13/41434) of African chromosomes by gnomAD. This variant has also been reported in ClinVar (Variation ID 188739). Computational prediction tools and conservation analyses suggest that this variant may impact the protein, though this information is not predictive enough to determine pathogenicity. In vitro functional studies provide some evidence that this variant decreases binding affinity of the protein and results in a partially denatured protein (Rellos 1999 PMID: 10229688). In summary, although additional studies are required to fully establish its clinical significance, this variant meets criteria to be classified as likely pathogenic for autosomal recessive hereditary fructose intolerance. ACMG/AMP Criteria applied: PM3_Strong, PP1_Moderate, PP3, PS3_Supporting.

Department of Pathology and Laboratory Medicine, Sinai Health System
Classification: Pathogenic for Hereditary fructosuria. Last evaluated: 2022-10-03. Review status: criteria provided, single submitter. Criteria: ACMG Guidelines, 2015. Collection method: research. Allele origin: germline.